The following is an entry in ClinVar:

NM_007194.4(CHEK2):c.786A>G (p.Arg262=)

Gene: CHEK2 (checkpoint kinase 2; minus strand). Cytogenetic location: 22q12.1.
Variant type: single nucleotide variant.
Coding change: c.786A>G on transcript NM_007194.4 (MANE Select); coding-DNA position 786, A replaced by G.
Protein change: p.Arg262=; no amino-acid change (arginine 262 retained).
Molecular consequence: synonymous variant.
Genome position (GRCh38, 1-based): chr22:28,711,915, T>C on the plus strand (A>G on the coding strand, the complement: CHEK2 is on the minus strand). VCF-style: chr22-28711915-T-C. GRCh37 (hg19) VCF-style: chr22-29107903-T-C.
Other names: c.915A>G, p.Arg305= (NM_001005735.3); c.123A>G, p.Arg41= (NM_001257387.3); c.585A>G, p.Arg195= (NM_001349956.3); c.786A>G, p.Arg262= (NM_145862.3); c.786A>G (NM_007194.3).
Identifiers: ClinVar variation 1646809 (VCV001646809.11), dbSNP rs2145948918, ClinGen allele CA513945157.

ClinVar aggregate classification (germline): Benign/Likely benign. Review status: criteria provided, multiple submitters, no conflicts (2 of 4 stars). 3 submissions from 3 submitters: Benign (1); Likely benign (2). Last evaluated 2025-09-08.

Conditions:
Hereditary cancer-predisposing syndrome. Also called: Tumor predisposition; Neoplastic Syndromes, Hereditary; Hereditary Cancer Syndrome; Hereditary neoplastic syndrome. Identifiers: Orphanet 140162, MedGen C0027672, MeSH D009386, MONDO:0015356.
Familial cancer of breast. Also called: hereditary breast carcinoma; BREAST CANCER, FAMILIAL; Hereditary breast cancer. Identifiers: Orphanet 227535, MedGen C0346153, MONDO:0016419, OMIM 114480. Disease mechanism: loss of function.

Submissions (3):

Labcorp Genetics (formerly Invitae), Labcorp
Classification: Likely benign for Familial cancer of breast. Last evaluated: 2025-09-08. Review status: criteria provided, single submitter. Criteria: Invitae Variant Classification Sherloc (09022015). Collection method: clinical testing. Allele origin: germline.

Ambry Genetics
Classification: Likely benign for Hereditary cancer-predisposing syndrome. Last evaluated: 2025-07-19. Review status: criteria provided, single submitter. Criteria: Ambry Variant Classification Scheme 2023. Collection method: clinical testing. Allele origin: germline.

Myriad Genetics, Inc.
Classification: Benign for Familial cancer of breast. Last evaluated: 2024-10-03. Review status: criteria provided, single submitter. Criteria: Myriad Autosomal Dominant, Autosomal Recessive and X-Linked Classification Criteria (2023). Collection method: clinical testing. Allele origin: unknown.
Comment: This variant is considered benign. This variant is a silent/synonymous amino acid change and it is not expected to impact splicing.